The following is an entry in ClinVar:

ClinVar aggregate classification (germline): Uncertain significance. Review status: criteria provided, multiple submitters, no conflicts (2 of 4 stars). 2 submissions from 2 submitters: Uncertain significance (2). Last evaluated 2024-11-02.

Conditions:
Hereditary pancreatitis (PCTT). Also called: Hereditary chronic pancreatitis; PRSS1-Related Hereditary Pancreatitis. Identifiers: Orphanet 676, MedGen C0238339, MONDO:0008185, OMIM 167800.

Submissions (2):

Ambry Genetics
Classification: Uncertain significance for Hereditary pancreatitis. Last evaluated: 2024-11-02. Review status: criteria provided, single submitter. Criteria: Ambry Variant Classification Scheme 2023. Collection method: clinical testing. Allele origin: germline.
Comment: The p.A335T variant (also known as c.1003G>A), located in coding exon 9 of the CPA1 gene, results from a G to A substitution at nucleotide position 1003. The alanine at codon 335 is replaced by threonine, an amino acid with similar properties. This amino acid position is conserved. In addition, this alteration is predicted to be tolerated by in silico analysis. Since supporting evidence is limited at this time, the clinical significance of this alteration remains unclear.

Labcorp Genetics (formerly Invitae), Labcorp
Classification: Uncertain significance. Last evaluated: 2023-08-04. Review status: criteria provided, single submitter. Criteria: Invitae Variant Classification Sherloc (09022015). Collection method: clinical testing. Allele origin: germline.
Comment: This sequence change replaces alanine, which is neutral and non-polar, with threonine, which is neutral and polar, at codon 335 of the CPA1 protein (p.Ala335Thr). This variant is not present in population databases (gnomAD no frequency). This variant has not been reported in the literature in individuals affected with CPA1-related conditions. ClinVar contains an entry for this variant (Variation ID: 1775706). Advanced modeling of protein sequence and biophysical properties (such as structural, functional, and spatial information, amino acid conservation, physicochemical variation, residue mobility, and thermodynamic stability) performed at Invitae indicates that this missense variant is not expected to disrupt CPA1 protein function. In summary, the available evidence is currently insufficient to determine the role of this variant in disease. Therefore, it has been classified as a Variant of Uncertain Significance.

NM_001868.4(CPA1):c.1003G>A (p.Ala335Thr)

Gene: CPA1 (carboxypeptidase A1; plus strand). Cytogenetic location: 7q32.2.
Variant type: single nucleotide variant.
Coding change: c.1003G>A on transcript NM_001868.4 (MANE Select); coding-DNA position 1003, G replaced by A.
Protein change: p.Ala335Thr; replaces alanine 335 with threonine.
Molecular consequence: missense variant.
Genome position (GRCh38, 1-based): chr7:130,385,854, G>A. VCF-style: chr7-130385854-G-A. GRCh37 (hg19) VCF-style: chr7-130025695-G-A.
Other names: short protein forms A335T.
Identifiers: ClinVar variation 1775706 (VCV001775706.8), dbSNP rs1796467528, ClinGen allele CA369284006.